The following is an entry in ClinVar:

NM_000030.3(AGXT):c.873C>A (p.His291Gln)

Gene: AGXT (alanine--glyoxylate aminotransferase; plus strand). Cytogenetic location: 2q37.3.
Variant type: single nucleotide variant.
Coding change: c.873C>A on transcript NM_000030.3 (MANE Select); coding-DNA position 873, C replaced by A.
Protein change: p.His291Gln; replaces histidine 291 with glutamine.
Molecular consequence: missense variant.
Genome position (GRCh38, 1-based): chr2:240,877,563, C>A. VCF-style: chr2-240877563-C-A. GRCh37 (hg19) VCF-style: chr2-241816980-C-A.
Other names: short protein forms H291Q.
Identifiers: ClinVar variation 3251827 (VCV003251827.1), dbSNP rs369396210.

ClinVar aggregate classification (germline): Uncertain significance (1 of 4 stars; one submission).

Submission:

Women's Health and Genetics/Laboratory Corporation of America, LabCorp
Classification: Uncertain significance. Last evaluated: 2024-04-21. Review status: criteria provided, single submitter. Criteria: LabCorp Variant Classification Summary - May 2015. Collection method: clinical testing. Allele origin: germline.
Comment: Variant summary: AGXT c.873C>A (p.His291Gln) results in a non-conservative amino acid change located in the Aminotransferase class V domain (IPR000192) of the encoded protein sequence. Five of five in-silico tools predict a damaging effect of the variant on protein function. The variant was absent in 153222 control chromosomes. The available data on variant occurrences in the general population are insufficient to allow any conclusion about variant significance. To our knowledge, no occurrence of c.873C>A in individuals affected with Primary Hyperoxaluria Type 1 and no experimental evidence demonstrating its impact on protein function have been reported. No submitters have cited clinical-significance assessments for this variant to ClinVar. Based on the evidence outlined above, the variant was classified as uncertain significance.